The following is an entry in ClinVar:

ClinVar aggregate classification (germline): Pathogenic (1 of 4 stars; one submission).

Conditions:
Congenital muscular hypertrophy-cerebral syndrome (CDLS2). Also called: SMC1A-Related Cornelia de Lange Syndrome; Cornelia de Lange syndrome 2. Identifiers: Orphanet 199, MedGen C1802395, MONDO:0010370, OMIM 300590.

Submission:

Labcorp Genetics (formerly Invitae), Labcorp
Classification: Pathogenic for Congenital muscular hypertrophy-cerebral syndrome. Last evaluated: 2018-01-06. Review status: criteria provided, single submitter. Criteria: Invitae Variant Classification Sherloc (09022015). Collection method: clinical testing. Allele origin: germline.
Comment: This variant is not present in population databases (ExAC no frequency). This variant has not been reported in the literature in individuals with SMC1A-related disease. Algorithms developed to predict the effect of sequence changes on RNA splicing suggest that this variant may create or strengthen a splice site, but this prediction has not been confirmed by published transcriptional studies. Loss-of-function variants in SMC1A are known to be pathogenic (PMID: 26358754, 26386245, 27334371). For these reasons, this variant has been classified as Pathogenic. This sequence change creates a premature translational stop signal (p.Arg1051*) in the SMC1A gene. It is expected to result in an absent or disrupted protein product.

Literature cited by the submitters: PubMed 26358754; PubMed 26386245; PubMed 27334371.

NM_006306.4(SMC1A):c.3151C>T (p.Arg1051Ter)

Gene: SMC1A (structural maintenance of chromosomes 1A; minus strand). Cytogenetic location: Xp11.22.
Variant type: single nucleotide variant.
Coding change: c.3151C>T on transcript NM_006306.4 (MANE Select); coding-DNA position 3151, C replaced by T.
Protein change: p.Arg1051Ter; replaces arginine 1051 with a stop codon.
Molecular consequence: nonsense.
Genome position (GRCh38, 1-based): chrX:53,382,640, G>A on the plus strand (C>T on the coding strand, the complement: SMC1A is on the minus strand). VCF-style: chrX-53382640-G-A. GRCh37 (hg19) VCF-style: chrX-53409561-G-A.
Other names: c.3085C>T, p.Arg1029Ter (NM_001281463.1); short protein forms R1051*, R1029*.
Identifiers: ClinVar variation 571206 (VCV000571206.6), dbSNP rs1569351907, ClinGen allele CA413244808.
Genomic context (GRCh38, chrX:53,382,640, plus strand): 5'-TGAAGCGGTCAAAGCGCTCCTTCTTGATCTGTTCGAATGCCTGCTTGGCCTTCTTTGCTC[G>A]CTTTCGGGCTGCTTCAAACTCTGCCAGAAAGAAAGACAGGAGACCCCTCAGTGCCCTGGC-3'